The following is an entry in ClinVar:

ClinVar aggregate classification (germline): Conflicting classifications of pathogenicity. Review status: criteria provided, conflicting classifications (1 of 4 stars). 6 submissions from 6 submitters: Uncertain significance (5); Benign (1). Last evaluated 2026-01-13.

Conditions:
Myopathy, congenital, with structured cores and z-line abnormalities. Also called: MULTIPLE STRUCTURED CORE DISEASE; CONGENITAL MYOPATHY 8. Identifiers: MedGen C5231445, MONDO:0032852, OMIM 618654.
Dilated cardiomyopathy 1AA (CMD1AA). Also called: CARDIOMYOPATHY, DILATED, 1AA, WITH OR WITHOUT LEFT VENTRICULAR NONCOMPACTION; CARDIOMYOPATHY, FAMILIAL HYPERTROPHIC, 23, WITH OR WITHOUT LEFT VENTRICULAR NONCOMPACTION; Cardiomyopathy, dilated, 1AA, with or without LVNC. Identifiers: Orphanet 154, MedGen C2677338, MONDO:0012808, OMIM 612158.
Primary familial hypertrophic cardiomyopathy (HCM). Identifiers: Orphanet 99739, MedGen C0949658, MeSH D024741, MONDO:0024573. Inheritance: Various modes of inheritance.
Myopathy, distal, 6, adult-onset, autosomal dominant. Identifiers: MedGen C5203349, MONDO:0032853, OMIM 618655.
Cardiovascular phenotype. Identifiers: MedGen CN230736.

Allele frequency attached by ClinVar (database versions not stated): ExAC 0.00001; gnomAD exomes 0.00001; TOPMed 0.00002; gnomAD 0.00003.
gnomAD v4.1: 18 of 1,613,928 alleles (0.0011%); highest among the groups gnomAD compares: African/African-American, 0.0027%; no homozygotes.

Submissions (6):

Labcorp Genetics (formerly Invitae), Labcorp
Classification: Benign for Primary familial hypertrophic cardiomyopathy; Dilated cardiomyopathy 1AA. Last evaluated: 2026-01-13. Review status: criteria provided, single submitter. Criteria: Invitae Variant Classification Sherloc (09022015). Collection method: clinical testing. Allele origin: germline.

Ambry Genetics
Classification: Uncertain significance for Cardiovascular phenotype. Last evaluated: 2024-01-08. Review status: criteria provided, single submitter. Criteria: Ambry Variant Classification Scheme 2023. Collection method: clinical testing. Allele origin: germline.
Comment: The p.R328Q variant (also known as c.983G>A), located in coding exon 10 of the ACTN2 gene, results from a G to A substitution at nucleotide position 983. The arginine at codon 328 is replaced by glutamine, an amino acid with highly similar properties. This variant has been reported in individuals with hypertrophic cardiomyopathy (HCM), as well as in unaffected family members (Chiu C et al. J. Am. Coll. Cardiol., 2010 Mar;55:1127-35; Burns C et al. Circ Cardiovasc Genet, 2017 Aug;10). This amino acid position is highly conserved in available vertebrate species. In addition, the in silico prediction for this alteration is inconclusive. Since supporting evidence is limited at this time, the clinical significance of this alteration remains unclear.

Neuberg Centre For Genomic Medicine, NCGM
Classification: Uncertain significance for Myopathy, congenital, with structured cores and z-line abnormalities. Last evaluated: 2023-02-14. Review status: criteria provided, single submitter. Criteria: ACMG Guidelines, 2015. Collection method: clinical testing. Allele origin: germline. Inheritance: Autosomal dominant inheritance. Affected: yes.
Comment: The missense c.983G>A (p.Arg328Gln) variant in ACTN2 gene has been reported previously in an individual affected with ACTN2-related disorder (Burns et al. 2017). The p.Arg328Gln variant is reported with an allele frequency of 0.001% in the gnomAD exomes database and is novel (not in any individuals) in 1000 Genomes database. This variant has been reported to the ClinVar database as Uncertain Significance (multiple submissions). The amino acid change p.Arg328Gln in ACTN2 is predicted as conserved by GERP++ and PhyloP across 100 vertebrates. The amino acid Arg at position 328 is changed to a Gln changing protein sequence and it might alter its composition and physico-chemical properties. For these reasons, this variant has been classified as a Variant of Uncertain Significance (VUS).

Fulgent Genetics
Classification: Uncertain significance for Dilated cardiomyopathy 1AA; Myopathy, congenital, with structured cores and z-line abnormalities; Myopathy, distal, 6, adult-onset, autosomal dominant. Last evaluated: 2021-10-20. Review status: criteria provided, single submitter. Criteria: ACMG Guidelines, 2015. Collection method: clinical testing. Allele origin: unknown.

Illumina Laboratory Services, Illumina
Classification: Uncertain significance for Dilated cardiomyopathy 1AA. Last evaluated: 2018-01-12. Review status: criteria provided, single submitter. Criteria: ICSL Variant Classification Criteria 13 December 2019. Collection method: clinical testing. Allele origin: germline.

Molecular Diagnostic Laboratory for Inherited Cardiovascular Disease, Montreal Heart Institute
Classification: Uncertain significance for Primary familial hypertrophic cardiomyopathy. Review status: criteria provided, single submitter. Criteria: ACMG Guidelines, 2015. Collection method: clinical testing. Allele origin: germline. Affected: yes.

Literature cited by the submitters: PubMed 20022194 (cited by Ambry Genetics); PubMed 28790153 (cited by Ambry Genetics).

NM_001103.4(ACTN2):c.983G>A (p.Arg328Gln)

Gene: ACTN2 (actinin alpha 2; plus strand). Cytogenetic location: 1q43.
Variant type: single nucleotide variant.
Coding change: c.983G>A on transcript NM_001103.4 (MANE Select); coding-DNA position 983, G replaced by A.
Protein change: p.Arg328Gln; replaces arginine 328 with glutamine.
Molecular consequence: missense variant.
Genome position (GRCh38, 1-based): chr1:236,739,408, G>A. VCF-style: chr1-236739408-G-A. GRCh37 (hg19) VCF-style: chr1-236902708-G-A.
Other names: c.983G>A, p.Arg328Gln (NM_001278343.2); c.359G>A, p.Arg120Gln (NM_001278344.2); short protein forms R328Q, R120Q.
Identifiers: ClinVar variation 296503 (VCV000296503.22), dbSNP rs774046373, ClinGen allele CA1473025.